The following is an entry in ClinVar:

NM_007327.4(GRIN1):c.956C>T (p.Pro319Leu)

Gene: GRIN1 (glutamate ionotropic receptor NMDA type subunit 1; plus strand). Cytogenetic location: 9q34.3.
Variant type: single nucleotide variant.
Coding change: c.956C>T on transcript NM_007327.4 (MANE Select); coding-DNA position 956, C replaced by T.
Protein change: p.Pro319Leu; replaces proline 319 with leucine.
Molecular consequence: missense variant.
Genome position (GRCh38, 1-based): chr9:137,157,025, C>T. VCF-style: chr9-137157025-C-T. GRCh37 (hg19) VCF-style: chr9-140051477-C-T.
Other names: c.956C>T, p.Pro319Leu (NM_000832.7, NM_021569.4); c.1019C>T, p.Pro340Leu (NM_001185090.2, NM_001185091.2); short protein forms P319L, P340L.
Identifiers: ClinVar variation 3622995 (VCV003622995.2).

ClinVar aggregate classification (germline): Uncertain significance (1 of 4 stars; one submission).

Conditions:
Neurodevelopmental disorder with or without hyperkinetic movements and seizures, autosomal dominant. Also called: Intellectual disability, autosomal dominant 8. Identifiers: MedGen C3280282, MONDO:0013655, OMIM 614254.

Submission:

Labcorp Genetics (formerly Invitae), Labcorp
Classification: Uncertain significance for Neurodevelopmental disorder with or without hyperkinetic movements and seizures, autosomal dominant. Last evaluated: 2024-06-09. Review status: criteria provided, single submitter. Criteria: Invitae Variant Classification Sherloc (09022015). Collection method: clinical testing. Allele origin: germline.
Comment: This sequence change replaces proline, which is neutral and non-polar, with leucine, which is neutral and non-polar, at codon 319 of the GRIN1 protein (p.Pro319Leu). This variant is not present in population databases (gnomAD no frequency). This variant has not been reported in the literature in individuals affected with GRIN1-related conditions. Advanced modeling of protein sequence and biophysical properties (such as structural, functional, and spatial information, amino acid conservation, physicochemical variation, residue mobility, and thermodynamic stability) has been performed at Invitae for this missense variant, however the output from this modeling did not meet the statistical confidence thresholds required to predict the impact of this variant on GRIN1 protein function. In summary, the available evidence is currently insufficient to determine the role of this variant in disease. Therefore, it has been classified as a Variant of Uncertain Significance.